The following is an entry in ClinVar:

ClinVar aggregate classification (germline): Uncertain significance (1 of 4 stars; one submission).

Conditions:
DNAH6-related disorder. Also called: DNAH6-related condition.

Allele frequency attached by ClinVar (database versions not stated): TOPMed below 0.00001; gnomAD 0.00001; gnomAD exomes 0.00001.

Submission:

PreventionGenetics, part of Exact Sciences
Classification: Uncertain significance for DNAH6-related condition. Last evaluated: 2023-09-19. Review status: criteria provided, single submitter. Criteria: ACMG Guidelines, 2015. Collection method: clinical testing. Allele origin: germline.
Comment: The DNAH6 c.5194A>G variant is predicted to result in the amino acid substitution p.Met1732Val. To our knowledge, this variant has not been reported in the literature or in a large population database, indicating this variant is rare. At this time, the clinical significance of this variant is uncertain due to the absence of conclusive functional and genetic evidence.

NM_001370.2(DNAH6):c.5194A>G (p.Met1732Val)

Gene: DNAH6 (dynein axonemal heavy chain 6; plus strand). Cytogenetic location: 2p11.2.
Variant type: single nucleotide variant.
Coding change: c.5194A>G on transcript NM_001370.2 (MANE Select); coding-DNA position 5194, A replaced by G.
Protein change: p.Met1732Val; replaces methionine 1732 with valine.
Molecular consequence: missense variant.
Genome position (GRCh38, 1-based): chr2:84,653,434, A>G. VCF-style: chr2-84653434-A-G. GRCh37 (hg19) VCF-style: chr2-84880558-A-G.
Other names: short protein forms M1732V.
Identifiers: ClinVar variation 2629840 (VCV002629840.1), dbSNP rs1415962817, ClinGen allele CA347469054.